The following is an entry in ClinVar:

ClinVar aggregate classification (germline): Uncertain significance (1 of 4 stars; one submission).

gnomAD v4.1: 1 of 1,614,002 alleles (0.000062%); highest among the groups gnomAD compares: Non-Finnish European, 0.000085%; no homozygotes.

Submission:

Labcorp Genetics (formerly Invitae), Labcorp
Classification: Uncertain significance. Last evaluated: 2024-06-04. Review status: criteria provided, single submitter. Criteria: Invitae Variant Classification Sherloc (09022015). Collection method: clinical testing. Allele origin: germline.
Comment: This sequence change replaces leucine, which is neutral and non-polar, with phenylalanine, which is neutral and non-polar, at codon 440 of the AK7 protein (p.Leu440Phe). This variant is not present in population databases (gnomAD no frequency). This variant has not been reported in the literature in individuals affected with AK7-related conditions. Advanced modeling of protein sequence and biophysical properties (such as structural, functional, and spatial information, amino acid conservation, physicochemical variation, residue mobility, and thermodynamic stability) performed at Invitae indicates that this missense variant is not expected to disrupt AK7 protein function with a negative predictive value of 80%. In summary, the available evidence is currently insufficient to determine the role of this variant in disease. Therefore, it has been classified as a Variant of Uncertain Significance.

NM_152327.5(AK7):c.1318C>T (p.Leu440Phe)

Gene: AK7 (adenylate kinase 7; plus strand). Cytogenetic location: 14q32.2.
Variant type: single nucleotide variant.
Coding change: c.1318C>T on transcript NM_152327.5 (MANE Select); coding-DNA position 1318, C replaced by T.
Protein change: p.Leu440Phe; replaces leucine 440 with phenylalanine.
Molecular consequence: missense variant.
Genome position (GRCh38, 1-based): chr14:96,458,173, C>T. VCF-style: chr14-96458173-C-T. GRCh37 (hg19) VCF-style: chr14-96924510-C-T.
Other names: c.1318C>T, p.Leu440Phe (NM_001350888.2, NM_001350890.2, NM_001350892.2); c.1240C>T, p.Leu414Phe (NM_001350891.2); short protein forms L440F, L414F.
Identifiers: ClinVar variation 3681042 (VCV003681042.2).
Genomic context (GRCh38, chr14:96,458,173, plus strand): 5'-GAAGGAGAAGAAGAAGTCGAAGAGGAAGAGGAGGAGGAGAATGTGGAAGATGCACAGGAG[C>T]TCCTAGATGGCATCAAGGAGAGCATGGAGCAGAATGCAGGTAACACACACCCAGCAGAGA-3'
Protein context (NP_689540.2, residues 430-450): EEENVEDAQE[Leu440Phe]LDGIKESMEQ